The following is an entry in ClinVar:

ClinVar aggregate classification (germline): Likely benign. Review status: criteria provided, multiple submitters, no conflicts (2 of 4 stars). 2 submissions from 2 submitters: Likely benign (2). Last evaluated 2025-12-16.

Conditions:
PEX19-related disorder. Also called: PEX19-related condition.
Peroxisome biogenesis disorder 12A (Zellweger). Also called: Peroxisome biogenesis disorder 12A. Identifiers: Orphanet 912, MedGen C3554002, MONDO:0013951, OMIM 614886.

Allele frequency attached by ClinVar (database versions not stated): gnomAD 0.00001.

Submissions (2):

PreventionGenetics, part of Exact Sciences
Classification: Likely benign for PEX19-related condition. Last evaluated: 2025-12-16. Review status: criteria provided, single submitter. Criteria: ACMG Guidelines, 2015. Collection method: clinical testing. Allele origin: germline.
Comment: This variant is classified as likely benign based on ACMG/AMP sequence variant interpretation guidelines (Richards et al. 2015 PMID: 25741868, with internal and published modifications).

Labcorp Genetics (formerly Invitae), Labcorp
Classification: Likely benign for Peroxisome biogenesis disorder 12A (Zellweger). Last evaluated: 2024-12-12. Review status: criteria provided, single submitter. Criteria: Invitae Variant Classification Sherloc (09022015). Collection method: clinical testing. Allele origin: germline.

NM_002857.4(PEX19):c.186C>A (p.Ala62=)

Gene: PEX19 (peroxisomal biogenesis factor 19; minus strand). Cytogenetic location: 1q23.2.
Variant type: single nucleotide variant.
Coding change: c.186C>A on transcript NM_002857.4 (MANE Select); coding-DNA position 186, C replaced by A.
Protein change: p.Ala62=; no amino-acid change (alanine 62 retained).
Molecular consequence: synonymous variant. On other transcripts: non-coding transcript variant (2).
Genome position (GRCh38, 1-based): chr1:160,283,104, G>T on the plus strand (C>A on the coding strand, the complement: PEX19 is on the minus strand). VCF-style: chr1-160283104-G-T. GRCh37 (hg19) VCF-style: chr1-160252894-G-T.
Other names: c.186C>A (NM_002857.3); c.186C>A, p.Ala62= (NM_001193644.1).
Identifiers: ClinVar variation 2981123 (VCV002981123.4), dbSNP rs758869711, ClinGen allele CA1197438.